The following is an entry in ClinVar:

ClinVar aggregate classification (germline): Uncertain significance (1 of 4 stars; one submission).

Conditions:
Arrhythmogenic right ventricular dysplasia 5. Also called: ARRHYTHMOGENIC RIGHT VENTRICULAR DYSPLASIA, FAMILIAL, 5; Arrhythmogenic Right Ventricular Dysplasia/Cardiomyopathy 5. Identifiers: MedGen C1858379, MONDO:0011459, OMIM 604400.

Allele frequency attached by ClinVar (database versions not stated): gnomAD exomes below 0.00001.
gnomAD v4.1: 1 of 1,613,790 alleles (0.000062%); highest among the groups gnomAD compares: South Asian, 0.0011%; no homozygotes.

Submission:

Labcorp Genetics (formerly Invitae), Labcorp
Classification: Uncertain significance for Arrhythmogenic right ventricular dysplasia 5. Last evaluated: 2021-08-07. Review status: criteria provided, single submitter. Criteria: Invitae Variant Classification Sherloc (09022015). Collection method: clinical testing. Allele origin: germline.
Comment: Algorithms developed to predict the effect of missense changes on protein structure and function are either unavailable or do not agree on the potential impact of this missense change (SIFT: "Deleterious"; PolyPhen-2: "Probably Damaging"; Align-GVGD: "Class C0"). This variant has not been reported in the literature in individuals affected with TMEM43-related conditions. This variant is not present in population databases (ExAC no frequency). This sequence change replaces threonine with alanine at codon 60 of the TMEM43 protein (p.Thr60Ala). The threonine residue is moderately conserved and there is a small physicochemical difference between threonine and alanine. In summary, the available evidence is currently insufficient to determine the role of this variant in disease. Therefore, it has been classified as a Variant of Uncertain Significance.

NM_024334.3(TMEM43):c.178A>G (p.Thr60Ala)

Gene: TMEM43 (transmembrane protein 43; plus strand). Cytogenetic location: 3p25.1.
Variant type: single nucleotide variant.
Coding change: c.178A>G on transcript NM_024334.3 (MANE Select); coding-DNA position 178, A replaced by G.
Protein change: p.Thr60Ala; replaces threonine 60 with alanine.
Molecular consequence: missense variant.
Genome position (GRCh38, 1-based): chr3:14,130,837, A>G. VCF-style: chr3-14130837-A-G. GRCh37 (hg19) VCF-style: chr3-14172337-A-G.
Other names: short protein forms T60A.
Identifiers: ClinVar variation 1373216 (VCV001373216.6), dbSNP rs1695084121, ClinGen allele CA351534512.